The following is an entry in ClinVar:

ClinVar aggregate classification (germline): Likely pathogenic (1 of 4 stars; one submission).

Conditions:
Leukoencephalopathy with brain stem and spinal cord involvement-high lactate syndrome (LBSL). Also called: LEUKOENCEPHALOPATHY WITH BRAINSTEM AND SPINAL CORD INVOLVEMENT AND LACTATE ELEVATION, MILD; MITOCHONDRIAL ASPARTYL-tRNA SYNTHETASE DEFICIENCY; Leukoencephalopathy with Brainstem and Spinal Cord Involvement and Lactate Elevation. Identifiers: Orphanet 137898, MedGen C1970180, MONDO:0012622, OMIM 611105.

gnomAD v4.1: 5 of 1,611,186 alleles (0.00031%); highest among the groups gnomAD compares: Admixed American, 0.0017%; no homozygotes.

Submission:

Department of Neurology, Affiliated Hospital of Southwest Medical University
Classification: Likely pathogenic for Leukoencephalopathy with brain stem and spinal cord involvement-high lactate syndrome. Last evaluated: 2022-03-24. Review status: criteria provided, single submitter. Criteria: ACMG Guidelines, 2015. Collection method: clinical testing. Allele origin: germline. Inheritance: Autosomal dominant inheritance. Affected: yes. Observed: 1 compound heterozygote.
Comment: The NM_018122.5:c.521G>A is a missense variant in DARS2 which is predicted to result in an amino acid change from arginine to histidine at position 174 (p.Arg174His), and likely disrupts mitochondrial aspartyl-tRNA synthetase function (PS3). The variant is not present in gnomAD (PM2; version 2.1.1). In summary, this variant meets criteria to be classified as pathogenic for LBSL based on the ACMG/AMP criteria applied: PS3, PM3, PP4, PM2_Supporting. ﻿

Literature cited by the submitters: PubMed 33977142.

NM_018122.5(DARS2):c.521G>A (p.Arg174His)

Gene: DARS2 (aspartyl-tRNA synthetase 2, mitochondrial; plus strand). Cytogenetic location: 1q25.1.
Variant type: single nucleotide variant.
Coding change: c.521G>A on transcript NM_018122.5 (MANE Select); coding-DNA position 521, G replaced by A.
Protein change: p.Arg174His; replaces arginine 174 with histidine.
Molecular consequence: missense variant.
Genome position (GRCh38, 1-based): chr1:173,833,404, G>A. VCF-style: chr1-173833404-G-A. GRCh37 (hg19) VCF-style: chr1-173802542-G-A.
Other names: c.521G>A, p.Arg174His (NM_001365212.1, NM_001365213.2); short protein forms R174H.
Identifiers: ClinVar variation 3900632 (VCV003900632.1).